The following is an entry in ClinVar:

NC_000002.11:g.(?_166897758)_(166901790_?)del

Gene: SCN1A (sodium voltage-gated channel alpha subunit 1; minus strand). Cytogenetic location: 2q24.3.
Variant type: Deletion.
Identifiers: ClinVar variation 2423913 (VCV002423913.4).

ClinVar aggregate classification (germline): Pathogenic (1 of 4 stars; one submission).

Conditions:
Developmental and epileptic encephalopathy. Identifiers: MedGen C5779964, MONDO:0100620.

Submission:

Labcorp Genetics (formerly Invitae), Labcorp
Classification: Pathogenic for Early-infantile DEE. Last evaluated: 2022-03-16. Review status: criteria provided, single submitter. Criteria: Invitae Variant Classification Sherloc (09022015). Collection method: clinical testing. Allele origin: germline.
Comment: For these reasons, this variant has been classified as Pathogenic. This variant has not been reported in the literature in individuals affected with SCN1A-related conditions. This variant results in the deletion of part of exon 10, exons 11-12, and part of exon 13 (c.1425_2398del) of the SCN1A gene. This deletion is out-of-frame, and is expected to create a premature termination codon and result in an absent or disrupted protein product. Loss-of-function variants in SCN1A are known to be pathogenic (PMID: 17347258, 18930999).

Literature cited by the submitters: PubMed 17347258; PubMed 18930999.